The following is an entry in ClinVar:

NM_001377.3(DYNC2H1):c.2203C>T (p.Gln735Ter)

Gene: DYNC2H1 (dynein cytoplasmic 2 heavy chain 1; plus strand). Cytogenetic location: 11q22.3.
Variant type: single nucleotide variant.
Coding change: c.2203C>T on transcript NM_001377.3 (MANE Select); coding-DNA position 2203, C replaced by T.
Protein change: p.Gln735Ter; replaces glutamine 735 with a stop codon.
Molecular consequence: nonsense.
Genome position (GRCh38, 1-based): chr11:103,134,417, C>T. VCF-style: chr11-103134417-C-T. GRCh37 (hg19) VCF-style: chr11-103005146-C-T.
Other names: c.2203C>T, p.Gln735Ter (NM_001080463.2); short protein forms Q735*.
Identifiers: ClinVar variation 3020057 (VCV003020057.4), dbSNP rs2496909934, ClinGen allele CA382258829.

ClinVar aggregate classification (germline): Pathogenic. Review status: criteria provided, multiple submitters, no conflicts (2 of 4 stars). 2 submissions from 2 submitters: Pathogenic (2). Last evaluated 2026-03-04.

Conditions:
Jeune thoracic dystrophy. Also called: Short-rib thoracic dysplasia; Jeune syndrome; Infantile thoracic dystrophy; Thoracic pelvic phalangeal dystrophy; Jeune's syndrome; Chondroectodermal dysplasia-like syndrome. Identifiers: Orphanet 474, MedGen C0265275, MONDO:0018770.
Asphyxiating thoracic dystrophy 3. Also called: POLYDACTYLY WITH NEONATAL CHONDRODYSTROPHY, TYPE I; SHORT-RIB THORACIC DYSPLASIA 3/6 WITH POLYDACTYLY, DIGENIC; Short rib polydactyly syndrome 2B; SHORT-RIB THORACIC DYSPLASIA 3 WITH OR WITHOUT POLYDACTYLY; Saldino-Noonan Syndrome. Identifiers: Orphanet 474, Orphanet 93269, Orphanet 93270, Orphanet 93271, MedGen C0036069, MONDO:0013127, OMIM 613091.

Allele frequency attached by ClinVar (database versions not stated): gnomAD exomes below 0.00001.

Submissions (2):

Myriad Genetics, Inc.
Classification: Pathogenic for Asphyxiating thoracic dystrophy 3. Last evaluated: 2026-03-04. Review status: criteria provided, single submitter. Criteria: Myriad Autosomal Dominant, Autosomal Recessive and X-Linked Classification Criteria (2023). Collection method: clinical testing. Allele origin: unknown.
Comment: NM_001377.2(DYNC2H1):c.2203C>T(Q735*) is expected to be pathogenic in the context of DYNC2H1-related disorders. This variant is predicted to lead to an abnormal or absent protein product due to the creation of a premature termination codon in DYNC2H1, a gene where loss-of-function variants are known to be pathogenic. Please note: this variant was assessed in the context of healthy population screening.

Labcorp Genetics (formerly Invitae), Labcorp
Classification: Pathogenic for Jeune thoracic dystrophy. Last evaluated: 2022-12-07. Review status: criteria provided, single submitter. Criteria: Invitae Variant Classification Sherloc (09022015). Collection method: clinical testing. Allele origin: germline.
Comment: For these reasons, this variant has been classified as Pathogenic. This variant has not been reported in the literature in individuals affected with DYNC2H1-related conditions. This variant is not present in population databases (gnomAD no frequency). This sequence change creates a premature translational stop signal (p.Gln735*) in the DYNC2H1 gene. It is expected to result in an absent or disrupted protein product. Loss-of-function variants in DYNC2H1 are known to be pathogenic (PMID: 23339108, 32753734).

Literature cited by the submitters: PubMed 23339108 (cited by Labcorp Genetics (formerly Invitae), Labcorp); PubMed 32753734 (cited by Labcorp Genetics (formerly Invitae), Labcorp).